The following is an entry in ClinVar:

NM_170707.4(LMNA):c.369G>T (p.Lys123Asn)

Genes: LMNA (lamin A/C; plus strand), LOC126805877 (MED14-independent group 3 enhancer GRCh37_chr1:156099693-156100892; plus strand). Cytogenetic location: 1q22.
Variant type: single nucleotide variant.
Coding change: c.369G>T on transcript NM_170707.4 (MANE Select); coding-DNA position 369, G replaced by T.
Protein change: p.Lys123Asn; replaces lysine 123 with asparagine.
Molecular consequence: missense variant. On other transcripts: 5 prime UTR variant (7), intron variant (4).
Genome position (GRCh38, 1-based): chr1:156,130,629, G>T. VCF-style: chr1-156130629-G-T. GRCh37 (hg19) VCF-style: chr1-156100420-G-T.
Other names: c.33G>T, p.Lys11Asn (NM_001257374.3, NM_001406989.1, NM_001406998.1); c.126G>T, p.Lys42Asn (NM_001282624.2, NM_001406986.1, NM_001406987.1); c.369G>T, p.Lys123Asn (NM_001282625.2, NM_001282626.2, NM_001406983.1 and 6 more transcripts); c.72G>T, p.Lys24Asn (NM_001406988.1); c.-190G>T (NM_001406993.1, NM_001406996.1, NM_001406997.1 and 1 more transcripts); c.-296G>T (NM_001406994.1, NM_001406999.1, NM_001407000.1); c.-45-3774G>T (NM_001407002.1, NM_001406995.1, NM_001406990.1); c.-151-3774G>T (NM_001407001.1); short protein forms K123N, K11N, K24N, K42N.
Identifiers: ClinVar variation 2587216 (VCV002587216.2), dbSNP rs367938270, ClinGen allele CA342815028.

ClinVar aggregate classification (germline): Uncertain significance (1 of 4 stars; one submission).

Conditions:
Cardiovascular phenotype. Identifiers: MedGen CN230736.

Submission:

Ambry Genetics
Classification: Uncertain significance for Cardiovascular phenotype. Last evaluated: 2023-09-14. Review status: criteria provided, single submitter. Criteria: Ambry Variant Classification Scheme 2023. Collection method: clinical testing. Allele origin: germline.
Comment: The p.K123N variant (also known as c.369G>T), located in coding exon 2 of the LMNA gene, results from a G to T substitution at nucleotide position 369. The lysine at codon 123 is replaced by asparagine, an amino acid with similar properties. This amino acid position is highly conserved in available vertebrate species. In addition, the in silico prediction for this alteration is inconclusive. Since supporting evidence is limited at this time, the clinical significance of this alteration remains unclear.